The following is an entry in ClinVar:

NM_001103.4(ACTN2):c.-4C>T

Gene: ACTN2 (actinin alpha 2; plus strand). Cytogenetic location: 1q43.
Variant type: single nucleotide variant.
Coding change: c.-4C>T on transcript NM_001103.4 (MANE Select); 4 bases upstream of the start codon, C replaced by T.
Molecular consequence: 5 prime UTR variant. On other transcripts: non-coding transcript variant (1).
Genome position (GRCh38, 1-based): chr1:236,686,670, C>T. VCF-style: chr1-236686670-C-T. GRCh37 (hg19) VCF-style: chr1-236849970-C-T.
Other names: c.-4C>T (NM_001278343.2).
Identifiers: ClinVar variation 4867340 (VCV004867340.1).
Genomic context (GRCh38, chr1:236,686,670, plus strand): 5'-TTGCCAGTCAGCCCGTGCGTCCGAGCCCCTCGCGCCCCGCCGCAGCCCCGGCCAACCGAG[C>T]GCCATGAACCAGATAGAGCCCGGCGTGCAGTACAACTACGTGTACGACGAGGATGAGTAC-3'

ClinVar aggregate classification (germline): Uncertain significance (1 of 4 stars; one submission).

Conditions:
Cardiovascular phenotype. Identifiers: MedGen CN230736.

Submission:

Ambry Genetics
Classification: Uncertain significance for Cardiovascular phenotype. Last evaluated: 2026-03-24. Review status: criteria provided, single submitter. Criteria: Ambry Variant Classification Scheme 2023. Collection method: clinical testing. Allele origin: germline.
Comment: The c.-4C>T variant is located in the 5' untranslated region (5&rsquo;UTR) of the ACTN2 gene. This variant results from a C to T substitution 4 nucleotides upstream from the first translated codon. This nucleotide position is well conserved in available vertebrate species. Based on the available evidence, the clinical significance of this variant remains unclear.